The following is an entry in ClinVar:

NM_003200.5(TCF3):c.759C>T (p.Ser253=)

Gene: TCF3 (transcription factor 3; minus strand). Cytogenetic location: 19p13.3.
Variant type: single nucleotide variant.
Coding change: c.759C>T on transcript NM_003200.5 (MANE Select); coding-DNA position 759, C replaced by T.
Protein change: p.Ser253=; no amino-acid change (serine 253 retained).
Molecular consequence: synonymous variant.
Genome position (GRCh38, 1-based): chr19:1,622,117, G>A on the plus strand (C>T on the coding strand, the complement: TCF3 is on the minus strand). VCF-style: chr19-1622117-G-A. GRCh37 (hg19) VCF-style: chr19-1622116-G-A.
Other names: p.Ser253=; c.759C>T, p.Ser253= (NM_001136139.4, NM_001351778.2, NM_001351779.2).
Identifiers: ClinVar variation 1167432 (VCV001167432.14), dbSNP rs2240590, ClinGen allele CA9050241.

ClinVar aggregate classification (germline): Benign. Review status: criteria provided, multiple submitters, no conflicts (2 of 4 stars). 5 submissions from 5 submitters: Benign (5). Last evaluated 2026-02-04.

Allele frequency attached by ClinVar (database versions not stated): ExAC 0.29727; 1000 Genomes Project 30x 0.33901; gnomAD 0.25877 and 0.25842; ESP Exome Variant Server 0.23142; gnomAD exomes 0.15727 and 0.22038; TOPMed 0.27892; 1000 Genomes Project 0.33906.
gnomAD v4.1: 267,886 of 1,599,406 alleles (17%); highest among the groups gnomAD compares: African/African-American, 53%; 31,446 homozygotes.

Submissions (5):

Labcorp Genetics (formerly Invitae), Labcorp
Classification: Benign. Last evaluated: 2026-02-04. Review status: criteria provided, single submitter. Criteria: Invitae Variant Classification Sherloc (09022015). Collection method: clinical testing. Allele origin: germline.

Women's Health and Genetics/Laboratory Corporation of America, LabCorp
Classification: Benign. Last evaluated: 2026-01-21. Review status: criteria provided, single submitter. Criteria: LabCorp Variant Classification Summary - May 2015. Collection method: clinical testing. Allele origin: germline.

Unidad de Genómica Garrahan, Hospital de Pediatría Garrahan
Classification: Benign. Last evaluated: 2024-01-24. Review status: criteria provided, single submitter. Criteria: ACMG Guidelines, 2015. Collection method: clinical testing. Allele origin: germline. Affected: no. Observed: 41 variant alleles.
Comment: This variant is classified as Benign based on local population frequency. This variant was detected in 43% of patients studied by a panel of primary immunodeficiencies. Number of patients: 41. Only high quality variants are reported.

Mayo Clinic Laboratories, Mayo Clinic
Classification: Benign. Last evaluated: 2016-10-17. Review status: criteria provided, single submitter. Criteria: ACMG Guidelines, 2015. Collection method: clinical testing. Allele origin: germline. Observed: 49 variant alleles.

Breakthrough Genomics
Classification: Benign. Review status: criteria provided, single submitter. Criteria: ACMG Guidelines, 2015. Collection method: not provided. Allele origin: germline. Inheritance: Autosomal recessive inheritance. Affected: yes.